The following is an entry in ClinVar:

ClinVar aggregate classification (germline): Uncertain significance (1 of 4 stars; one submission).

Conditions:
GPBAR1-related disorder. Also called: GPBAR1-related condition.

Allele frequency attached by ClinVar (database versions not stated): gnomAD 0.00001; TOPMed 0.00002.
gnomAD v4.1: 3 of 1,603,036 alleles (0.00019%); highest among the groups gnomAD compares: Middle Eastern, 0.017%; no homozygotes.

Submission:

PreventionGenetics, part of Exact Sciences
Classification: Uncertain significance for GPBAR1-related condition. Last evaluated: 2025-01-12. Review status: criteria provided, single submitter. Criteria: ACMG Guidelines, 2015. Collection method: clinical testing. Allele origin: germline.
Comment: The GPBAR1 c.607G>A variant is predicted to result in the amino acid substitution p.Glu203Lys. To our knowledge, this variant has not been reported in the literature or in a large population database, indicating this variant is rare. At this time, the clinical significance of this variant is uncertain due to the absence of conclusive functional and genetic evidence.

NM_170699.3(GPBAR1):c.607G>A (p.Glu203Lys)

Gene: GPBAR1 (G protein-coupled bile acid receptor 1; plus strand). Cytogenetic location: 2q35.
Variant type: single nucleotide variant.
Coding change: c.607G>A on transcript NM_170699.3 (MANE Select); coding-DNA position 607, G replaced by A.
Protein change: p.Glu203Lys; replaces glutamic acid 203 with lysine.
Molecular consequence: missense variant.
Genome position (GRCh38, 1-based): chr2:218,263,331, G>A. VCF-style: chr2-218263331-G-A. GRCh37 (hg19) VCF-style: chr2-219128054-G-A.
Other names: c.607G>A, p.Glu203Lys (NM_001077191.2, NM_001077194.2, NM_001321950.2); short protein forms E203K.
Identifiers: ClinVar variation 3030349 (VCV003030349.3), dbSNP rs945931617, ClinGen allele CA65740824.